The following is an entry in ClinVar:

ClinVar aggregate classification (germline): Likely benign. Review status: criteria provided, single submitter (1 of 4 stars). 2 submissions from 2 submitters: Likely benign (1). 1 of the submissions does not count toward it. Last evaluated 2026-01-02.

Conditions:
PEX3-related disorder. Also called: PEX3-related condition.

Allele frequency attached by ClinVar (database versions not stated): gnomAD exomes 0.00001.
gnomAD v4.1: 8 of 1,601,132 alleles (0.0005%); highest among the groups gnomAD compares: Middle Eastern, 0.033%; no homozygotes.

Submissions (2):

Labcorp Genetics (formerly Invitae), Labcorp
Classification: Likely benign. Last evaluated: 2026-01-02. Review status: criteria provided, single submitter. Criteria: Invitae Variant Classification Sherloc (09022015). Collection method: clinical testing. Allele origin: germline.

PreventionGenetics, part of Exact Sciences
Classification: Likely benign for PEX3-related condition. Last evaluated: 2019-12-11. Review status: no assertion criteria provided. Collection method: clinical testing. Allele origin: germline. Not counted in ClinVar's aggregate classification.
Comment: This variant is classified as likely benign based on ACMG/AMP sequence variant interpretation guidelines (Richards et al. 2015 PMID: 25741868, with internal and published modifications).

NM_003630.3(PEX3):c.462T>C (p.Ile154=)

Gene: PEX3 (peroxisomal biogenesis factor 3; plus strand). Cytogenetic location: 6q24.2.
Variant type: single nucleotide variant.
Coding change: c.462T>C on transcript NM_003630.3 (MANE Select); coding-DNA position 462, T replaced by C.
Protein change: p.Ile154=; no amino-acid change (isoleucine 154 retained).
Molecular consequence: synonymous variant.
Genome position (GRCh38, 1-based): chr6:143,471,388, T>C. VCF-style: chr6-143471388-T-C. GRCh37 (hg19) VCF-style: chr6-143792525-T-C.
Other names: c.462T>C (NM_003630.2).
Identifiers: ClinVar variation 1587621 (VCV001587621.10), dbSNP rs1222906148, ClinGen allele CA452461672.